The following is an entry in ClinVar:

NM_003038.5(SLC1A4):c.1214A>G (p.Gln405Arg)

Gene: SLC1A4 (solute carrier family 1 member 4; plus strand). Cytogenetic location: 2p14.
Variant type: single nucleotide variant.
Coding change: c.1214A>G on transcript NM_003038.5 (MANE Select); coding-DNA position 1214, A replaced by G.
Protein change: p.Gln405Arg; replaces glutamine 405 with arginine.
Molecular consequence: missense variant.
Genome position (GRCh38, 1-based): chr2:65,018,250, A>G. VCF-style: chr2-65018250-A-G. GRCh37 (hg19) VCF-style: chr2-65245384-A-G.
Other names: c.320A>G, p.Gln107Arg (NM_001193493.2); c.554A>G, p.Gln185Arg (NM_001348406.2, NM_001348407.2); short protein forms Q107R, Q405R, Q185R.
Identifiers: ClinVar variation 1370058 (VCV001370058.5), dbSNP rs1421922317, ClinGen allele CA347010634.

ClinVar aggregate classification (germline): Uncertain significance (1 of 4 stars; one submission).

Allele frequency attached by ClinVar (database versions not stated): gnomAD 0.00001; gnomAD exomes 0.00001.
gnomAD v4.1: 4 of 1,613,382 alleles (0.00025%); highest among the groups gnomAD compares: Admixed American, 0.005%; no homozygotes.

Submission:

Labcorp Genetics (formerly Invitae), Labcorp
Classification: Uncertain significance. Last evaluated: 2021-08-14. Review status: criteria provided, single submitter. Criteria: Invitae Variant Classification Sherloc (09022015). Collection method: clinical testing. Allele origin: germline.
Comment: This sequence change replaces glutamine with arginine at codon 405 of the SLC1A4 protein (p.Gln405Arg). The glutamine residue is highly conserved and there is a small physicochemical difference between glutamine and arginine. This variant is not present in population databases (ExAC no frequency). This variant has not been reported in the literature in individuals affected with SLC1A4-related conditions. Algorithms developed to predict the effect of missense changes on protein structure and function are either unavailable or do not agree on the potential impact of this missense change (SIFT: "Deleterious"; PolyPhen-2: "Benign"; Align-GVGD: "Class C35"). In summary, the available evidence is currently insufficient to determine the role of this variant in disease. Therefore, it has been classified as a Variant of Uncertain Significance.